The following is an entry in ClinVar:

ClinVar aggregate classification (germline): Uncertain significance (1 of 4 stars; one submission).

Conditions:
SDCCAG8-related disorder. Also called: SDCCAG8-Related Disorders; SDCCAG8-related condition.

Submission:

PreventionGenetics, part of Exact Sciences
Classification: Uncertain significance for SDCCAG8-related condition. Last evaluated: 2025-02-12. Review status: criteria provided, single submitter. Criteria: ACMG Guidelines, 2015. Collection method: clinical testing. Allele origin: germline.
Comment: The SDCCAG8 c.1092G>C variant is predicted to result in the amino acid substitution p.Leu364Phe. To our knowledge, this variant has not been reported in the literature or in a large population database (gnomAD), indicating this variant is rare. At this time, the clinical significance of this variant is uncertain due to the absence of conclusive functional and genetic evidence.

NM_006642.5(SDCCAG8):c.1092G>C (p.Leu364Phe)

Gene: SDCCAG8 (SHH signaling and ciliogenesis regulator SDCCAG8; plus strand). Cytogenetic location: 1q43.
Variant type: single nucleotide variant.
Coding change: c.1092G>C on transcript NM_006642.5 (MANE Select); coding-DNA position 1092, G replaced by C.
Protein change: p.Leu364Phe; replaces leucine 364 with phenylalanine.
Molecular consequence: missense variant.
Genome position (GRCh38, 1-based): chr1:243,330,563, G>C. VCF-style: chr1-243330563-G-C. GRCh37 (hg19) VCF-style: chr1-243493865-G-C.
Other names: c.189G>C, p.Leu63Phe (NM_001350246.2, NM_001350247.2, NM_001350251.2); c.1188G>C, p.Leu396Phe (NM_001350248.2); c.798G>C, p.Leu266Phe (NM_001350249.2); short protein forms L266F, L364F, L396F, L63F.
Identifiers: ClinVar variation 5000987 (VCV005000987.1).